The following is an entry in ClinVar:

NM_199420.4(POLQ):c.6857A>G (p.Lys2286Arg)

Gene: POLQ (DNA polymerase theta; minus strand). Cytogenetic location: 3q13.33.
Variant type: single nucleotide variant.
Coding change: c.6857A>G on transcript NM_199420.4 (MANE Select); coding-DNA position 6857, A replaced by G.
Protein change: p.Lys2286Arg; replaces lysine 2286 with arginine.
Molecular consequence: missense variant.
Genome position (GRCh38, 1-based): chr3:121,467,629, T>C on the plus strand (A>G on the coding strand, the complement: POLQ is on the minus strand). VCF-style: chr3-121467629-T-C. GRCh37 (hg19) VCF-style: chr3-121186476-T-C.
Other names: short protein forms K2286R.
Identifiers: ClinVar variation 2563838 (VCV002563838.2), dbSNP rs2546770224, ClinGen allele CA354110785.

ClinVar aggregate classification (germline): Uncertain significance (1 of 4 stars; one submission).

Submission:

Ambry Genetics
Classification: Uncertain significance. Last evaluated: 2023-05-13. Review status: criteria provided, single submitter. Criteria: Ambry Variant Classification Scheme 2023. Collection method: clinical testing. Allele origin: germline.
Comment: The p.K2286R variant (also known as c.6857A>G), located in coding exon 24 of the POLQ gene, results from an A to G substitution at nucleotide position 6857. The lysine at codon 2286 is replaced by arginine, an amino acid with highly similar properties. This amino acid position is conserved. In addition, this alteration is predicted to be tolerated by in silico analysis. Since supporting evidence is limited at this time, the clinical significance of this alteration remains unclear.